The following is an entry in ClinVar:

NM_001375380.1(EBF3):c.1346C>G (p.Ser449Ter)

Gene: EBF3 (EBF transcription factor 3; minus strand). Cytogenetic location: 10q26.3.
Variant type: single nucleotide variant.
Coding change: c.1346C>G on transcript NM_001375380.1 (MANE Select); coding-DNA position 1346, C replaced by G.
Protein change: p.Ser449Ter; replaces serine 449 with a stop codon.
Molecular consequence: nonsense.
Genome position (GRCh38, 1-based): chr10:129,842,142, G>C on the plus strand (C>G on the coding strand, the complement: EBF3 is on the minus strand). VCF-style: chr10-129842142-G-C. GRCh37 (hg19) VCF-style: chr10-131640406-G-C.
Other names: c.1319C>G, p.Ser440Ter (NM_001005463.3, NM_001375390.1, NM_001375392.1); c.1346C>G, p.Ser449Ter (NM_001375379.1, NM_001375389.1, NM_001375391.1); short protein forms S440*, S449*.
Identifiers: ClinVar variation 2573011 (VCV002573011.1), dbSNP rs2493761829, ClinGen allele CA378719879.

ClinVar aggregate classification (germline): Pathogenic (1 of 4 stars; one submission).

Conditions:
Hypotonia, ataxia, and delayed development syndrome (HADDS). Also called: EBF3 Neurodevelopmental Disorder. Identifiers: Orphanet 658843, MedGen C4310618, MONDO:0015021, OMIM 617330.

Submission:

Illumina Laboratory Services, Illumina
Classification: Pathogenic for Hypotonia, ataxia, and delayed development syndrome. Last evaluated: 2023-04-17. Review status: criteria provided, single submitter. Criteria: ICSLVariantClassificationCriteria RUGD 01 April 2020. Collection method: clinical testing. Allele origin: unknown.
Comment: The EBF3 c.1319C>G p.(Ser440Ter) nonsense variant results in the loss of normal protein function through either protein truncation or nonsense-mediated mRNA decay. To our knowledge, this variant has not been reported in the peer-reviewed literature. This variant is not observed in version 2.1.1 or version 3.1.2 of the Genome Aggregation Database. This variant was identified in a de novo. Based on the available evidence, the c.1319C>G p.(Ser440Ter) variant is classified as pathogenic for hypotonia, ataxia, and delayed development syndrome.